The following is an entry in ClinVar:

ClinVar aggregate classification (germline): Pathogenic. Review status: reviewed by expert panel (3 of 4 stars). 2 submissions from 2 submitters: Pathogenic (1). 1 of the submissions does not count toward it. Last evaluated 2021-07-14.

Conditions:
Glanzmann thrombasthenia 2. Also called: BLEEDING DISORDER, PLATELET-TYPE, 23. Identifiers: MedGen C5543273, MONDO:0031009, OMIM 619267.
Glanzmann thrombasthenia. Also called: THROMBASTHENIA OF GLANZMANN AND NAEGELI; BLEEDING DISORDER, PLATELET-TYPE, 2; Thrombasthenia; PLATELET GLYCOPROTEIN IIb-IIIa DEFICIENCY; Glanzmann's thrombasthenia. Identifiers: Orphanet 849, MedGen C0040015, MONDO:0100326.

Submissions (2):

ClinGen Platelet Disorders Variant Curation Expert Panel, ClinGen
Classification: Pathogenic for Glanzmann thrombasthenia. Last evaluated: 2021-07-14. Review status: reviewed by expert panel. Criteria: ClinGen Platelet ACMG Specifications v2. Collection method: curation. Allele origin: germline. Inheritance: Autosomal recessive inheritance.
Comment: The ITGB3 nonsense variant NM_000212.3:c.1402G>T (p.Glu468Ter) introduces a premature termination codon in exon 10 of 15 total exons and the resulting mRNA product is predicted to undergo nonsense mediated decay, leading to loss of normal protein function. This variant has been observed in homozygosity in one individual with a phenotype specific for Glanzmann's thrombasthenia (GT) (GT34, PMID: 16463284). Furthermore, this variant is absent from population databases. In summary, this variant meets criteria to be classified as pathogenic for GT. GT-specific criteria applied: PVS1, PM2_Supporting, PM3_Supporting, PP4_Moderate.

Neuberg Centre For Genomic Medicine, NCGM
Classification: Pathogenic for Glanzmann thrombasthenia 2. Review status: criteria provided, single submitter. Criteria: ACMG Guidelines, 2015. Collection method: clinical testing. Allele origin: germline. Inheritance: Autosomal recessive inheritance. Affected: yes. Not counted in ClinVar's aggregate classification.
Comment: The stop gained c.1402G>T (p.Glu468Ter) variant in ITGB3 gene has been reported previously in homozygous state in an individual affected with Glanzmann's thrombasthenia (Peretz, Hava et al.,2006). The variant is novel in gnomAD Exomes and in 1000 Genomes. It has been submitted in ClinVar as Pathogenic. The nucleotide change c.1402G>T in ITGB3 is predicted as conserved by GERP++ and PhyloP across 100 vertebrates. This variant is predicted to cause loss of normal protein function through protein truncation. Loss of function variants have been previously reported to be disease causing. For these reasons, this variant has been classified as Pathogenic.

NM_000212.3(ITGB3):c.1402G>T (p.Glu468Ter)

Gene: ITGB3 (integrin subunit beta 3; plus strand). Cytogenetic location: 17q21.32.
Variant type: single nucleotide variant.
Coding change: c.1402G>T on transcript NM_000212.3 (MANE Select); coding-DNA position 1402, G replaced by T.
Protein change: p.Glu468Ter; replaces glutamic acid 468 with a stop codon.
Molecular consequence: nonsense.
Genome position (GRCh38, 1-based): chr17:47,292,280, G>T. VCF-style: chr17-47292280-G-T. GRCh37 (hg19) VCF-style: chr17-45369646-G-T.
Other names: NM_000212.3:c.1402G>T; short protein forms E468*.
Identifiers: ClinVar variation 1330338 (VCV001330338.1), dbSNP rs2143112940, ClinGen allele CA400029121.